The following is an entry in ClinVar:

ClinVar aggregate classification (germline): Pathogenic (1 of 4 stars; one submission).

Conditions:
Abetalipoproteinaemia (ABL). Also called: MTP DEFICIENCY; Abetalipoproteinemia; Abetalipoproteinemia neuropathy; Apolipoprotein B deficiency; Congenital betalipoprotein deficiency syndrome. Identifiers: Orphanet 14, MedGen C0000744, MONDO:0008692, OMIM 200100, HP:0008181.

Submission:

Myriad Genetics, Inc.
Classification: Pathogenic for Abetalipoproteinaemia. Last evaluated: 2024-05-14. Review status: criteria provided, single submitter. Criteria: Myriad Autosomal Dominant, Autosomal Recessive and X-Linked Classification Criteria (2023). Collection method: clinical testing. Allele origin: unknown.
Comment: NM_000253.2(MTTP):c.1147delA(S383Vfs*26) is expected to be pathogenic in the context of abetalipoproteinemia. This variant is predicted to lead to an abnormal or absent protein product due to the creation of a premature termination codon in MTTP, a gene where loss-of-function variants are known to be pathogenic. Please note: this variant was assessed in the context of healthy population screening.

NM_001386140.1(MTTP):c.1147del (p.Ser383fs)

Gene: MTTP (microsomal triglyceride transfer protein; plus strand). Cytogenetic location: 4q23.
Variant type: Deletion.
Coding change: c.1147del on transcript NM_001386140.1 (MANE Select); coding-DNA position 1147, one base deleted (A; older notation c.1147delA).
Protein change: p.Ser383fs; shifts the reading frame from serine 383.
Molecular consequence: frameshift variant.
Genome position (GRCh38, 1-based): chr4:99,600,644, A deleted; the last of 4 consecutive A bases (chr4:99,600,641-99,600,644); deleting any one gives the same sequence. VCF-style (leftmost placement, unchanged base first): chr4-99600640-CA-C. GRCh37 (hg19) VCF-style: chr4-100521797-CA-C.
Other names: c.1147del, p.Ser383fs (NM_000253.4); c.898del, p.Ser300fs (NM_001300785.2); short protein forms S300fs, S383fs.
Identifiers: ClinVar variation 5010647 (VCV005010647.1).